The following is an entry in ClinVar:

NM_031372.4(HNRNPDL):c.52G>C (p.Ala18Pro)

Gene: HNRNPDL (heterogeneous nuclear ribonucleoprotein D like; minus strand). Cytogenetic location: 4q21.22.
Variant type: single nucleotide variant.
Coding change: c.52G>C on transcript NM_031372.4 (MANE Select); coding-DNA position 52, G replaced by C.
Protein change: p.Ala18Pro; replaces alanine 18 with proline.
Molecular consequence: missense variant. On other transcripts: non-coding transcript variant (1).
Genome position (GRCh38, 1-based): chr4:82,429,639, C>G on the plus strand (G>C on the coding strand, the complement: HNRNPDL is on the minus strand). VCF-style: chr4-82429639-C-G. GRCh37 (hg19) VCF-style: chr4-83350792-C-G.
Other names: c.52G>C, p.Ala18Pro (NM_001207000.1); short protein forms A18P.
Identifiers: ClinVar variation 1708821 (VCV001708821.2), dbSNP rs2110032017, ClinGen allele CA357173964.

ClinVar aggregate classification (germline): Uncertain significance (1 of 4 stars; one submission).

Submission:

GeneDx
Classification: Uncertain significance. Last evaluated: 2022-04-08. Review status: criteria provided, single submitter. Criteria: GeneDx Variant Classification Process June 2021. Collection method: clinical testing. Allele origin: germline. Affected: yes.
Comment: Not observed at significant frequency in large population cohorts (gnomAD); In silico analysis supports that this missense variant does not alter protein structure/function; Has not been previously published as pathogenic or benign to our knowledge